The following is an entry in ClinVar:

ClinVar aggregate classification (germline): Uncertain significance (1 of 4 stars; one submission).

gnomAD v4.1: 3 of 1,614,036 alleles (0.00019%); highest among the groups gnomAD compares: Admixed American, 0.0033%; no homozygotes.

Submission:

Labcorp Genetics (formerly Invitae), Labcorp
Classification: Uncertain significance. Last evaluated: 2024-08-29. Review status: criteria provided, single submitter. Criteria: Invitae Variant Classification Sherloc (09022015). Collection method: clinical testing. Allele origin: germline.
Comment: This sequence change falls in intron 15 of the ARHGEF1 gene. It does not directly change the encoded amino acid sequence of the ARHGEF1 protein. This variant is present in population databases (no rsID available, gnomAD 0.003%). This variant has not been reported in the literature in individuals affected with ARHGEF1-related conditions. ClinVar contains an entry for this variant (Variation ID: 1402265). Algorithms developed to predict the effect of sequence changes on RNA splicing suggest that this variant may disrupt the consensus splice site. In summary, the available evidence is currently insufficient to determine the role of this variant in disease. Therefore, it has been classified as a Variant of Uncertain Significance.

NM_004706.4(ARHGEF1):c.1415-5C>G

Gene: ARHGEF1 (Rho guanine nucleotide exchange factor 1; plus strand). Cytogenetic location: 19q13.2.
Variant type: single nucleotide variant.
Coding change: c.1415-5C>G on transcript NM_004706.4 (MANE Select); 5 bases into the intron before coding-DNA position 1415, C replaced by G.
Molecular consequence: intron variant.
Genome position (GRCh38, 1-based): chr19:41,902,269, C>G. VCF-style: chr19-41902269-C-G. GRCh37 (hg19) VCF-style: chr19-42406419-C-G.
Other names: c.1316-5C>G (NM_198977.2); c.1460-5C>G (NM_199002.2).
Identifiers: ClinVar variation 1402265 (VCV001402265.6), dbSNP rs925727704, ClinGen allele CA633471252.